The following is an entry in ClinVar:

NM_001369.3(DNAH5):c.330dup (p.Pro111fs)

Gene: DNAH5 (dynein axonemal heavy chain 5; minus strand). Cytogenetic location: 5p15.2.
Variant type: Duplication.
Coding change: c.330dup on transcript NM_001369.3 (MANE Select); coding-DNA position 330, one base duplicated (A; older notation c.330dupA).
Protein change: p.Pro111fs; shifts the reading frame from proline 111.
Molecular consequence: frameshift variant.
Genome position (GRCh38, 1-based): chr5:13,923,388, T duplicated on the plus strand (A on the coding strand, the reverse complement: DNAH5 is on the minus strand); the first of 6 consecutive T bases (chr5:13,923,388-13,923,393); duplicating any one gives the same sequence. VCF-style (leftmost placement, unchanged base first): chr5-13923387-G-GT. GRCh37 (hg19) VCF-style: chr5-13923496-G-GT.
Other names: short protein forms P111fs.
Identifiers: ClinVar variation 5014431 (VCV005014431.1).

ClinVar aggregate classification (germline): Pathogenic (1 of 4 stars; one submission).

Conditions:
Primary ciliary dyskinesia 3. Identifiers: Orphanet 244, MedGen C1837618, MONDO:0012085, OMIM 608644.

Submission:

Myriad Genetics, Inc.
Classification: Pathogenic for Primary ciliary dyskinesia 3. Last evaluated: 2025-05-12. Review status: criteria provided, single submitter. Criteria: Myriad Autosomal Dominant, Autosomal Recessive and X-Linked Classification Criteria (2023). Collection method: clinical testing. Allele origin: unknown.
Comment: NM_001369.2(DNAH5):c.330dupA(P111Tfs*2) is expected to be pathogenic in the context of primary ciliary dyskinesia, DNAH5-related. This variant is predicted to lead to an abnormal or absent protein product due to the creation of a premature termination codon in DNAH5, a gene where loss-of-function variants are known to be pathogenic. Please note: this variant was assessed in the context of healthy population screening.